The following is an entry in ClinVar:

NM_030962.4(SBF2):c.3812G>A (p.Arg1271His)

Gene: SBF2 (SET binding factor 2; minus strand). Cytogenetic location: 11p15.4.
Variant type: single nucleotide variant.
Coding change: c.3812G>A on transcript NM_030962.4 (MANE Select); coding-DNA position 3812, G replaced by A.
Protein change: p.Arg1271His; replaces arginine 1271 with histidine.
Molecular consequence: missense variant.
Genome position (GRCh38, 1-based): chr11:9,817,006, C>T on the plus strand (G>A on the coding strand, the complement: SBF2 is on the minus strand). VCF-style: chr11-9817006-C-T. GRCh37 (hg19) VCF-style: chr11-9838553-C-T.
Other names: c.3908G>A, p.Arg1303His (NM_001386339.1); c.3683G>A, p.Arg1228His (NM_001386342.1); short protein forms R1271H, R1228H, R1303H.
Identifiers: ClinVar variation 573878 (VCV000573878.10), dbSNP rs201249004, ClinGen allele CA5881129.

ClinVar aggregate classification (germline): Uncertain significance. Review status: criteria provided, multiple submitters, no conflicts (2 of 4 stars). 3 submissions from 3 submitters: Uncertain significance (3). Last evaluated 2022-06-04.

Conditions:
Charcot-Marie-Tooth disease type 4. Also called: Charcot-Marie-Tooth disease, type IV; Charcot-Marie-Tooth, Type 4. Identifiers: Orphanet 64749, MedGen C4082197, MONDO:0018995.

Allele frequency attached by ClinVar (database versions not stated): gnomAD 0.00006; TOPMed 0.00006; 1000 Genomes Project 30x 0.00016; 1000 Genomes Project 0.00020.
gnomAD v4.1: 112 of 1,614,006 alleles (0.0069%); highest among the groups gnomAD compares: Non-Finnish European, 0.0086%; no homozygotes.

Submissions (3):

Labcorp Genetics (formerly Invitae), Labcorp
Classification: Uncertain significance for Charcot-Marie-Tooth disease type 4. Last evaluated: 2022-06-04. Review status: criteria provided, single submitter. Criteria: Invitae Variant Classification Sherloc (09022015). Collection method: clinical testing. Allele origin: germline.
Comment: This sequence change replaces arginine, which is basic and polar, with histidine, which is basic and polar, at codon 1271 of the SBF2 protein (p.Arg1271His). This variant is present in population databases (rs201249004, gnomAD 0.01%). This variant has not been reported in the literature in individuals affected with SBF2-related conditions. ClinVar contains an entry for this variant (Variation ID: 573878). Algorithms developed to predict the effect of missense changes on protein structure and function are either unavailable or do not agree on the potential impact of this missense change (SIFT: "Deleterious"; PolyPhen-2: "Probably Damaging"; Align-GVGD: "Class C0"). In summary, the available evidence is currently insufficient to determine the role of this variant in disease. Therefore, it has been classified as a Variant of Uncertain Significance.

Athena Diagnostics
Classification: Uncertain significance. Last evaluated: 2021-09-02. Review status: criteria provided, single submitter. Criteria: Athena Diagnostics Criteria. Collection method: clinical testing. Allele origin: unknown.

GeneDx
Classification: Uncertain significance. Last evaluated: 2019-04-30. Review status: criteria provided, single submitter. Criteria: GeneDx Variant Classification Process June 2021. Collection method: clinical testing. Allele origin: germline. Affected: yes.
Comment: In silico analysis, which includes protein predictors and evolutionary conservation, supports a deleterious effect; Has not been previously published as pathogenic or benign to our knowledge